The following is an entry in ClinVar:

ClinVar aggregate classification (germline): Benign. Review status: criteria provided, multiple submitters, no conflicts (2 of 4 stars). 4 submissions from 4 submitters: Benign (3). 1 of the submissions does not count toward it. Last evaluated 2025-04-09.

Conditions:
NRAP-related disorder. Also called: NRAP-related condition.

Allele frequency attached by ClinVar (database versions not stated): 1000 Genomes Project 0.25879; gnomAD exomes 0.25896 and 0.25993; 1000 Genomes Project 30x 0.25968; ExAC 0.26383; TOPMed 0.28612; gnomAD 0.28676 and 0.29097; ESP Exome Variant Server 0.30286.
gnomAD v4.1: 418,800 of 1,598,234 alleles (26%); highest among the groups gnomAD compares: African/African-American, 35%; 56,446 homozygotes.

Submissions (4):

Molecular Diagnostic Laboratory for Inherited Cardiovascular Disease, Montreal Heart Institute
Classification: Benign. Last evaluated: 2025-04-09. Review status: criteria provided, single submitter. Criteria: ACMG Guidelines, 2015. Collection method: clinical testing. Allele origin: germline. Affected: no.

GeneDx
Classification: Benign. Last evaluated: 2019-01-10. Review status: criteria provided, single submitter. Criteria: GeneDx Variant Classification Process June 2021. Collection method: clinical testing. Allele origin: germline. Affected: yes.
Comment: This variant is associated with the following publications: (PMID: 27443559)

Breakthrough Genomics
Classification: Benign. Review status: criteria provided, single submitter. Criteria: ACMG Guidelines, 2015. Collection method: not provided. Allele origin: germline. Inheritance: Unknown mechanism. Affected: yes.

PreventionGenetics, part of Exact Sciences
Classification: Benign for NRAP-related condition. Last evaluated: 2019-10-22. Review status: no assertion criteria provided. Collection method: clinical testing. Allele origin: germline. Not counted in ClinVar's aggregate classification.
Comment: This variant is classified as benign based on ACMG/AMP sequence variant interpretation guidelines (Richards et al. 2015 PMID: 25741868, with internal and published modifications).

NM_198060.4(NRAP):c.1556A>T (p.Asn519Ile)

Gene: NRAP (nebulin related anchoring protein; minus strand). Cytogenetic location: 10q25.3.
Variant type: single nucleotide variant.
Coding change: c.1556A>T on transcript NM_198060.4 (MANE Select); coding-DNA position 1556, A replaced by T.
Protein change: p.Asn519Ile; replaces asparagine 519 with isoleucine.
Molecular consequence: missense variant.
Genome position (GRCh38, 1-based): chr10:113,633,160, T>A on the plus strand (A>T on the coding strand, the complement: NRAP is on the minus strand). VCF-style: chr10-113633160-T-A. GRCh37 (hg19) VCF-style: chr10-115392919-T-A.
Other names: c.1556A>T, p.Asn519Ile (NM_001261463.2, NM_001322945.2); c.1451A>T, p.Asn484Ile (NM_006175.5); short protein forms N484I, N519I.
Identifiers: ClinVar variation 1248884 (VCV001248884.6), dbSNP rs2270182, ClinGen allele CA5695494.